The following is an entry in ClinVar:

NM_001184.4(ATR):c.6675G>T (p.Leu2225Phe)

Gene: ATR (ATR checkpoint kinase; minus strand). Cytogenetic location: 3q23.
Variant type: single nucleotide variant.
Coding change: c.6675G>T on transcript NM_001184.4 (MANE Select); coding-DNA position 6675, G replaced by T.
Protein change: p.Leu2225Phe; replaces leucine 2225 with phenylalanine.
Molecular consequence: missense variant.
Genome position (GRCh38, 1-based): chr3:142,467,946, C>A on the plus strand (G>T on the coding strand, the complement: ATR is on the minus strand). VCF-style: chr3-142467946-C-A. GRCh37 (hg19) VCF-style: chr3-142186788-C-A.
Other names: c.6483G>T, p.Leu2161Phe (NM_001354579.2); short protein forms L2161F, L2225F.
Identifiers: ClinVar variation 989275 (VCV000989275.10), dbSNP rs2071168591, ClinGen allele CA354803273.

ClinVar aggregate classification (germline): Uncertain significance. Review status: criteria provided, multiple submitters, no conflicts (2 of 4 stars). 5 submissions from 4 submitters: Uncertain significance (5). Last evaluated 2025-05-15.

Conditions:
Seckel syndrome 1 (SCKL1). Also called: MICROCEPHALIC PRIMORDIAL DWARFISM I. Identifiers: Orphanet 808, MedGen C4551474, MONDO:0008869, OMIM 210600.
Inborn genetic diseases. Identifiers: MedGen C0950123, MeSH D030342.
Familial cutaneous telangiectasia and oropharyngeal predisposition cancer syndrome. Identifiers: Orphanet 313846, MedGen C3281203, MONDO:0013806, OMIM 614564.

Allele frequency attached by ClinVar (database versions not stated): TOPMed below 0.00001.
gnomAD v4.1: 2 of 1,612,664 alleles (0.00012%); highest among the groups gnomAD compares: Non-Finnish European, 0.00017%; no homozygotes.

Submissions (5):

Labcorp Genetics (formerly Invitae), Labcorp
Classification: Uncertain significance. Last evaluated: 2025-05-15. Review status: criteria provided, single submitter. Criteria: Invitae Variant Classification Sherloc (09022015). Collection method: clinical testing. Allele origin: germline.
Comment: This sequence change replaces leucine, which is neutral and non-polar, with phenylalanine, which is neutral and non-polar, at codon 2225 of the ATR protein (p.Leu2225Phe). This variant is not present in population databases (gnomAD no frequency). This variant has not been reported in the literature in individuals affected with ATR-related conditions. ClinVar contains an entry for this variant (Variation ID: 989275). An algorithm developed to predict the effect of missense changes on protein structure and function (PolyPhen-2) suggests that this variant is likely to be disruptive. In summary, the available evidence is currently insufficient to determine the role of this variant in disease. Therefore, it has been classified as a Variant of Uncertain Significance.

Ambry Genetics
Classification: Uncertain significance for Inborn genetic diseases. Last evaluated: 2023-09-20. Review status: criteria provided, single submitter. Criteria: Ambry Variant Classification Scheme 2023. Collection method: clinical testing. Allele origin: germline.
Comment: The p.L2225F variant (also known as c.6675G>T), located in coding exon 39 of the ATR gene, results from a G to T substitution at nucleotide position 6675. The leucine at codon 2225 is replaced by phenylalanine, an amino acid with highly similar properties. This amino acid position is conserved. In addition, this alteration is predicted to be deleterious by in silico analysis. Since supporting evidence is limited at this time, the clinical significance of this alteration remains unclear.

Genome-Nilou Lab
Classification: Uncertain significance for Seckel syndrome 1. Last evaluated: 2023-02-08. Review status: criteria provided, single submitter. Criteria: ACMG Guidelines, 2015. Collection method: clinical testing. Allele origin: germline.

Genome-Nilou Lab
Classification: Uncertain significance for Familial cutaneous telangiectasia and oropharyngeal predisposition cancer syndrome. Last evaluated: 2023-02-08. Review status: criteria provided, single submitter. Criteria: ACMG Guidelines, 2015. Collection method: clinical testing. Allele origin: germline.

Illumina Laboratory Services, Illumina
Classification: Uncertain significance for Seckel syndrome 1. Last evaluated: 2020-08-27. Review status: criteria provided, single submitter. Criteria: ICSLVariantClassificationCriteria RUGD 01 April 2020. Collection method: clinical testing. Allele origin: unknown.
Comment: The ATR c.6675G>T (p.Leu2225Phe) variant is a missense variant. A literature search was performed for the gene, cDNA change, and amino acid change. No publications were found based on this search. This variant is not found in the Genome Aggregation Database and is in a region of good sequence coverage, so the variant is presumed to be rare. Based on the limited evidence, the p.Leu2225Phe variant is classified as a variant of uncertain significance for Seckel syndrome.